The following is an entry in ClinVar:

NM_003041.4(SLC5A2):c.1626C>G (p.Leu542=)

Gene: SLC5A2 (solute carrier family 5 member 2; plus strand). Cytogenetic location: 16p11.2.
Variant type: single nucleotide variant.
Coding change: c.1626C>G on transcript NM_003041.4 (MANE Select); coding-DNA position 1626, C replaced by G.
Protein change: p.Leu542=; no amino-acid change (leucine 542 retained).
Molecular consequence: synonymous variant. On other transcripts: non-coding transcript variant (1).
Genome position (GRCh38, 1-based): chr16:31,489,299, C>G. VCF-style: chr16-31489299-C-G. GRCh37 (hg19) VCF-style: chr16-31500620-C-G.
Identifiers: ClinVar variation 319070 (VCV000319070.10), dbSNP rs75646778, ClinGen allele CA8031236.

ClinVar aggregate classification (germline): Benign. Review status: criteria provided, multiple submitters, no conflicts (2 of 4 stars). 3 submissions from 3 submitters: Benign (3). Last evaluated 2019-12-31.

Conditions:
Familial renal glucosuria (GLYS). Also called: RENAL GLUCOSURIA, AUTOSOMAL DOMINANT; Familial renal glycosuria. Identifiers: Orphanet 69076, MedGen C3245525, MONDO:0009297, OMIM 233100.

Allele frequency attached by ClinVar (database versions not stated): gnomAD exomes 0.00165 and 0.00057; gnomAD 0.00630 and 0.00682; ExAC 0.00216; TOPMed 0.00672; ESP Exome Variant Server 0.00754; 1000 Genomes Project 0.00759; 1000 Genomes Project 30x 0.00874.
gnomAD v4.1: 1,816 of 1,610,448 alleles (0.11%); highest among the groups gnomAD compares: African/African-American, 2.2%; 24 homozygotes.

Submissions (3):

Labcorp Genetics (formerly Invitae), Labcorp
Classification: Benign. Last evaluated: 2019-12-31. Review status: criteria provided, single submitter. Criteria: Invitae Variant Classification Sherloc (09022015). Collection method: clinical testing. Allele origin: germline.

Illumina Laboratory Services, Illumina
Classification: Benign for Familial renal glucosuria. Last evaluated: 2018-01-13. Review status: criteria provided, single submitter. Criteria: ICSL Variant Classification Criteria 13 December 2019. Collection method: clinical testing. Allele origin: germline.
Comment: This variant was observed in the ICSL laboratory as part of a predisposition screen in an ostensibly healthy population. It had not been previously curated by ICSL or reported in the Human Gene Mutation Database (HGMD: prior to June 1st, 2018), and was therefore a candidate for classification through an automated scoring system. Utilizing variant allele frequency, disease prevalence and penetrance estimates, and inheritance mode, an automated score was calculated to assess if this variant is too frequent to cause the disease. Based on the score and internal cut-off values, a variant classified as benign is not then subjected to further curation. The score for this variant resulted in a classification of benign for this disease.

Breakthrough Genomics
Classification: Benign. Review status: criteria provided, single submitter. Criteria: ACMG Guidelines, 2015. Collection method: not provided. Allele origin: germline. Inheritance: Autosomal dominant inheritance. Affected: yes.